The following is an entry in ClinVar:

ClinVar aggregate classification (germline): Uncertain significance (1 of 4 stars; one submission).

Conditions:
Hereditary cancer-predisposing syndrome. Also called: Neoplastic Syndromes, Hereditary; Hereditary Cancer Syndrome; Hereditary neoplastic syndrome; Tumor predisposition. Identifiers: Orphanet 140162, MedGen C0027672, MeSH D009386, MONDO:0015356.

Submission:

Ambry Genetics
Classification: Uncertain significance for Hereditary cancer-predisposing syndrome. Last evaluated: 2023-04-18. Review status: criteria provided, single submitter. Criteria: Ambry Variant Classification Scheme 2023. Collection method: clinical testing. Allele origin: germline.
Comment: The p.K1748T variant (also known as c.5243A>C), located in coding exon 40 of the TSC2 gene, results from an A to C substitution at nucleotide position 5243. The lysine at codon 1748 is replaced by threonine, an amino acid with similar properties. This amino acid position is conserved. In addition, this alteration is predicted to be deleterious by in silico analysis. Since supporting evidence is limited at this time, the clinical significance of this alteration remains unclear.

NM_000548.5(TSC2):c.5243A>C (p.Lys1748Thr)

Gene: TSC2 (TSC complex subunit 2; plus strand). Cytogenetic location: 16p13.3.
Variant type: single nucleotide variant.
Coding change: c.5243A>C on transcript NM_000548.5 (MANE Select); coding-DNA position 5243, A replaced by C.
Protein change: p.Lys1748Thr; replaces lysine 1748 with threonine.
Molecular consequence: missense variant. On other transcripts: non-coding transcript variant (5).
Genome position (GRCh38, 1-based): chr16:2,088,309, A>C. VCF-style: chr16-2088309-A-C. GRCh37 (hg19) VCF-style: chr16-2138310-A-C.
Other names: c.5132A>C, p.Lys1711Thr (NM_001406668.1); c.5063A>C, p.Lys1688Thr (NM_001406670.1); c.5033A>C, p.Lys1678Thr (NM_001406671.1); c.5027A>C, p.Lys1676Thr (NM_001406675.1); c.5030A>C, p.Lys1677Thr (NM_001406673.1); c.5042A>C, p.Lys1681Thr (NM_001077183.3); c.5174A>C, p.Lys1725Thr (NM_001114382.3); c.4934A>C, p.Lys1645Thr (NM_001318827.2); and 27 more; short protein forms K1257T, K1548T, K1644T, K1682T, K1748T, K1525T, K1528T, K1633T.
Identifiers: ClinVar variation 2564709 (VCV002564709.2), dbSNP rs753424501, ClinGen allele CA394314672.
Genomic context (GRCh38, chr16:2,088,309, plus strand): 5'-GCCGCTCCAACCCCACCGATATCTACCCCTCCAAGTGGATTGCCCGGCTCCGCCACATCA[A>C]GCGGCTCCGCCAGCGGGTAGGGAATATGGGGCTCCCTCAGCGGGGTGTGCTGGCTGCCCA-3'
Protein context (NP_000539.2, residues 1738-1758): SKWIARLRHI[Lys1748Thr]RLRQRICEEA